The following is an entry in ClinVar:

NM_002242.4(KCNJ13):c.512G>A (p.Arg171His)

Genes: GIGYF2 (GRB10 interacting GYF protein 2; plus strand), KCNJ13 (potassium inwardly rectifying channel subfamily J member 13; minus strand). Cytogenetic location: 2q37.1.
Variant type: single nucleotide variant.
Coding change: c.512G>A on transcript NM_002242.4 (MANE Select); coding-DNA position 512, G replaced by A.
Protein change: p.Arg171His; replaces arginine 171 with histidine.
Molecular consequence: missense variant. On other transcripts: synonymous variant (1), intron variant (4).
Genome position (GRCh38, 1-based): chr2:232,768,762, C>T on the plus strand (G>A on the coding strand, the complement: KCNJ13 is on the minus strand). VCF-style: chr2-232768762-C-T. GRCh37 (hg19) VCF-style: chr2-233633472-C-T.
Other names: c.276G>A, p.Ser92= (NM_001172416.1); c.272G>A, p.Arg91His (NM_001172417.1); c.532+7326C>T (NM_001103146.3, NM_015575.4, NM_001103147.2 and 1 more transcripts); short protein forms R91H, R171H.
Identifiers: ClinVar variation 2739911 (VCV002739911.3), dbSNP rs752305262, ClinGen allele CA2170019.
Genomic context (GRCh38, chr2:232,768,762, plus strand): 5'-ACTTGGAAGATAAGATTAGGTTTGCCATCCATGTGAGCTACTACTGCTGTGTCAGTAAAG[C>T]GAATTGAAAAAGCTCGATTTTTTGGCCGGGCAATCTTCGCCACAAAAGCACCTAAATAAG-3'
Protein context (NP_002233.2, residues 161-181): ARPKNRAFSI[Arg171His]FTDTAVVAHM

ClinVar aggregate classification (germline): Uncertain significance (1 of 4 stars; one submission).

Allele frequency attached by ClinVar (database versions not stated): gnomAD 0.00001; gnomAD exomes 0.00001; ExAC 0.00002.
gnomAD v4.1: 20 of 1,599,402 alleles (0.0013%); highest among the groups gnomAD compares: East Asian, 0.0022%; no homozygotes.

Submission:

Labcorp Genetics (formerly Invitae), Labcorp
Classification: Uncertain significance. Last evaluated: 2023-11-20. Review status: criteria provided, single submitter. Criteria: Invitae Variant Classification Sherloc (09022015). Collection method: clinical testing. Allele origin: germline.
Comment: This sequence change replaces arginine, which is basic and polar, with histidine, which is basic and polar, at codon 171 of the KCNJ13 protein (p.Arg171His). This variant is present in population databases (rs752305262, gnomAD 0.004%). This variant has not been reported in the literature in individuals affected with KCNJ13-related conditions. Advanced modeling of protein sequence and biophysical properties (such as structural, functional, and spatial information, amino acid conservation, physicochemical variation, residue mobility, and thermodynamic stability) performed at Invitae indicates that this missense variant is not expected to disrupt KCNJ13 protein function with a negative predictive value of 80%. In summary, the available evidence is currently insufficient to determine the role of this variant in disease. Therefore, it has been classified as a Variant of Uncertain Significance.